The following is an entry in ClinVar:

ClinVar aggregate classification (germline): Uncertain significance. Review status: criteria provided, multiple submitters, no conflicts (2 of 4 stars). 2 submissions from 2 submitters: Uncertain significance (2). Last evaluated 2022-06-21.

gnomAD v4.1: 1 of 1,612,286 alleles (0.000062%); highest among the groups gnomAD compares: Non-Finnish European, 0.000085%; no homozygotes.

Submissions (2):

GeneDx
Classification: Uncertain significance. Last evaluated: 2022-06-21. Review status: criteria provided, single submitter. Criteria: GeneDx Variant Classification Process June 2021. Collection method: clinical testing. Allele origin: germline. Affected: yes.
Comment: Has not been previously published as pathogenic or benign to our knowledge; Not observed at significant frequency in large population cohorts (gnomAD); In silico analysis supports that this missense variant does not alter protein structure/function; Occurs in the triple helical domain at the X position in the canonical Gly-X-Y repeat; although this variant may have an effect on normal protein folding and function, missense substitution at the X position is not a common mechanism of disease

Labcorp Genetics (formerly Invitae), Labcorp
Classification: Uncertain significance. Last evaluated: 2022-03-16. Review status: criteria provided, single submitter. Criteria: Invitae Variant Classification Sherloc (09022015). Collection method: clinical testing. Allele origin: germline.
Comment: This sequence change replaces proline, which is neutral and non-polar, with serine, which is neutral and polar, at codon 697 of the COL4A1 protein (p.Pro697Ser). The frequency data for this variant in the population databases is considered unreliable, as metrics indicate poor data quality at this position in the gnomAD database. In summary, the available evidence is currently insufficient to determine the role of this variant in disease. Therefore, it has been classified as a Variant of Uncertain Significance. Advanced modeling of protein sequence and biophysical properties (such as structural, functional, and spatial information, amino acid conservation, physicochemical variation, residue mobility, and thermodynamic stability) performed at Invitae indicates that this missense variant is not expected to disrupt COL4A1 protein function. This variant has not been reported in the literature in individuals affected with COL4A1-related conditions.

NM_001845.6(COL4A1):c.2089C>T (p.Pro697Ser)

Gene: COL4A1 (collagen type IV alpha 1 chain; minus strand). Cytogenetic location: 13q34.
Variant type: single nucleotide variant.
Coding change: c.2089C>T on transcript NM_001845.6 (MANE Select); coding-DNA position 2089, C replaced by T.
Protein change: p.Pro697Ser; replaces proline 697 with serine.
Molecular consequence: missense variant.
Genome position (GRCh38, 1-based): chr13:110,182,999, G>A on the plus strand (C>T on the coding strand, the complement: COL4A1 is on the minus strand). VCF-style: chr13-110182999-G-A. GRCh37 (hg19) VCF-style: chr13-110835346-G-A.
Other names: short protein forms P697S.
Identifiers: ClinVar variation 1806662 (VCV001806662.5), dbSNP rs1395505056, ClinGen allele CA388669055.